The following is an entry in ClinVar:

NM_014915.3(ANKRD26):c.5124T>G (p.Tyr1708Ter)

Gene: ANKRD26 (ankyrin repeat domain 26; minus strand). Cytogenetic location: 10p12.1.
Variant type: single nucleotide variant.
Coding change: c.5124T>G on transcript NM_014915.3 (MANE Select); coding-DNA position 5124, T replaced by G.
Protein change: p.Tyr1708Ter; replaces tyrosine 1708 with a stop codon.
Molecular consequence: nonsense.
Genome position (GRCh38, 1-based): chr10:27,005,599, A>C on the plus strand (T>G on the coding strand, the complement: ANKRD26 is on the minus strand). VCF-style: chr10-27005599-A-C. GRCh37 (hg19) VCF-style: chr10-27294528-A-C.
Other names: c.5121T>G, p.Tyr1707Ter (NM_001256053.2); short protein forms Y1707*, Y1708*.
Identifiers: ClinVar variation 2886735 (VCV002886735.3), dbSNP rs376466372, ClinGen allele CA376352569.

ClinVar aggregate classification (germline): Uncertain significance (1 of 4 stars; one submission).

gnomAD v4.1: 1 of 1,610,112 alleles (0.000062%); no homozygotes.

Submission:

Labcorp Genetics (formerly Invitae), Labcorp
Classification: Uncertain significance. Last evaluated: 2025-03-05. Review status: criteria provided, single submitter. Criteria: Invitae Variant Classification Sherloc (09022015). Collection method: clinical testing. Allele origin: germline.
Comment: This sequence change creates a premature translational stop signal (p.Tyr1708*) in the ANKRD26 gene. While this is not anticipated to result in nonsense mediated decay, it is expected to disrupt the last 3 amino acid(s) of the ANKRD26 protein. This variant is not present in population databases (gnomAD no frequency). This variant has not been reported in the literature in individuals affected with ANKRD26-related conditions. ClinVar contains an entry for this variant (Variation ID: 2886735). In summary, the available evidence is currently insufficient to determine the role of this variant in disease. Therefore, it has been classified as a Variant of Uncertain Significance.